The following is an entry in ClinVar:

NM_000553.6(WRN):c.2062G>A (p.Gly688Ser)

Gene: WRN (WRN RecQ like helicase; plus strand). Cytogenetic location: 8p12.
Variant type: single nucleotide variant.
Coding change: c.2062G>A on transcript NM_000553.6 (MANE Select); coding-DNA position 2062, G replaced by A.
Protein change: p.Gly688Ser; replaces glycine 688 with serine.
Molecular consequence: missense variant.
Genome position (GRCh38, 1-based): chr8:31,100,929, G>A. VCF-style: chr8-31100929-G-A. GRCh37 (hg19) VCF-style: chr8-30958445-G-A.
Other names: short protein forms G688S.
Identifiers: ClinVar variation 1474710 (VCV001474710.6), dbSNP rs1408654459, ClinGen allele CA370908842.

ClinVar aggregate classification (germline): Uncertain significance (1 of 4 stars; one submission).

Conditions:
Werner syndrome (WRN). Identifiers: Orphanet 902, MedGen C0043119, MONDO:0010196, OMIM 277700.

Allele frequency attached by ClinVar (database versions not stated): gnomAD exomes below 0.00001.
gnomAD v4.1: 3 of 1,613,938 alleles (0.00019%); highest among the groups gnomAD compares: African/African-American, 0.0013%; no homozygotes.

Submission:

Labcorp Genetics (formerly Invitae), Labcorp
Classification: Uncertain significance for Werner syndrome. Last evaluated: 2021-04-05. Review status: criteria provided, single submitter. Criteria: Invitae Variant Classification Sherloc (09022015). Collection method: clinical testing. Allele origin: germline.
Comment: In summary, the available evidence is currently insufficient to determine the role of this variant in disease. Therefore, it has been classified as a Variant of Uncertain Significance. Algorithms developed to predict the effect of missense changes on protein structure and function output the following: SIFT: "Not Available"; PolyPhen-2: "Possibly Damaging"; Align-GVGD: "Not Available". The serine amino acid residue is found in multiple mammalian species, suggesting that this missense change does not adversely affect protein function. These predictions have not been confirmed by published functional studies and their clinical significance is uncertain. This variant has not been reported in the literature in individuals with WRN-related conditions. This variant is not present in population databases (ExAC no frequency). This sequence change replaces glycine with serine at codon 688 of the WRN protein (p.Gly688Ser). The glycine residue is moderately conserved and there is a small physicochemical difference between glycine and serine.